The following is an entry in ClinVar:

ClinVar aggregate classification (germline): Uncertain significance. Review status: criteria provided, multiple submitters, no conflicts (2 of 4 stars). 2 submissions from 2 submitters: Uncertain significance (2). Last evaluated 2025-06-01.

Conditions:
Inborn genetic diseases. Identifiers: MedGen C0950123, MeSH D030342.

Allele frequency attached by ClinVar (database versions not stated): ExAC 0.00001; gnomAD exomes 0.00001; TOPMed 0.00002; gnomAD 0.00003.
gnomAD v4.1: 12 of 1,613,864 alleles (0.00074%); highest among the groups gnomAD compares: East Asian, 0.011%; no homozygotes.

Submissions (2):

Ambry Genetics
Classification: Uncertain significance for Inborn genetic diseases. Last evaluated: 2025-06-01. Review status: criteria provided, single submitter. Criteria: Ambry Variant Classification Scheme 2023. Collection method: clinical testing. Allele origin: germline.
Comment: The p.E31K variant (also known as c.91G>A), located in coding exon 1 of the SAMD9L gene, results from a G to A substitution at nucleotide position 91. The glutamic acid at codon 31 is replaced by lysine, an amino acid with similar properties. This amino acid position is conserved. In addition, this alteration is predicted to be tolerated by in silico analysis. Based on the available evidence, the clinical significance of this variant remains unclear.

Labcorp Genetics (formerly Invitae), Labcorp
Classification: Uncertain significance. Last evaluated: 2023-12-11. Review status: criteria provided, single submitter. Criteria: Invitae Variant Classification Sherloc (09022015). Collection method: clinical testing. Allele origin: germline.
Comment: This sequence change replaces glutamic acid, which is acidic and polar, with lysine, which is basic and polar, at codon 31 of the SAMD9L protein (p.Glu31Lys). This variant is present in population databases (rs778097243, gnomAD 0.008%). This variant has not been reported in the literature in individuals affected with SAMD9L-related conditions. An algorithm developed to predict the effect of missense changes on protein structure and function (PolyPhen-2) suggests that this variant is likely to be tolerated. In summary, the available evidence is currently insufficient to determine the role of this variant in disease. Therefore, it has been classified as a Variant of Uncertain Significance.

NM_152703.5(SAMD9L):c.91G>A (p.Glu31Lys)

Gene: SAMD9L (sterile alpha motif domain containing 9 like; minus strand). Cytogenetic location: 7q21.2.
Variant type: single nucleotide variant.
Coding change: c.91G>A on transcript NM_152703.5 (MANE Select); coding-DNA position 91, G replaced by A.
Protein change: p.Glu31Lys; replaces glutamic acid 31 with lysine.
Molecular consequence: missense variant.
Genome position (GRCh38, 1-based): chr7:93,135,881, C>T on the plus strand (G>A on the coding strand, the complement: SAMD9L is on the minus strand). VCF-style: chr7-93135881-C-T. GRCh37 (hg19) VCF-style: chr7-92765194-C-T.
Other names: c.91G>A, p.Glu31Lys (NM_001303496.3, NM_001303497.3, NM_001303498.3 and 5 more transcripts); c.91G>A (NM_152703.2); short protein forms E31K.
Identifiers: ClinVar variation 2843969 (VCV002843969.4), dbSNP rs778097243, ClinGen allele CA4343934.